The following is an entry in ClinVar:

ClinVar aggregate classification (germline): Uncertain significance (1 of 4 stars; one submission).

Conditions:
Hereditary cancer-predisposing syndrome. Also called: Neoplastic Syndromes, Hereditary; Tumor predisposition; Hereditary Cancer Syndrome; Hereditary neoplastic syndrome. Identifiers: Orphanet 140162, MedGen C0027672, MeSH D009386, MONDO:0015356.

Submission:

Ambry Genetics
Classification: Uncertain significance for Hereditary cancer-predisposing syndrome. Last evaluated: 2026-02-15. Review status: criteria provided, single submitter. Criteria: Ambry Variant Classification Scheme 2023. Collection method: clinical testing. Allele origin: germline.
Comment: The p.H389Q variant (also known as c.1167C>A), located in coding exon 8 of the CTNNA1 gene, results from a C to A substitution at nucleotide position 1167. The histidine at codon 389 is replaced by glutamine, an amino acid with highly similar properties. This amino acid position is conserved. In addition, the in silico prediction for this alteration is inconclusive. Based on the available evidence, the clinical significance of this variant remains unclear.

NM_001903.5(CTNNA1):c.1167C>A (p.His389Gln)

Gene: CTNNA1 (catenin alpha 1; plus strand). Cytogenetic location: 5q31.2.
Variant type: single nucleotide variant.
Coding change: c.1167C>A on transcript NM_001903.5 (MANE Select); coding-DNA position 1167, C replaced by A.
Protein change: p.His389Gln; replaces histidine 389 with glutamine.
Molecular consequence: missense variant. On other transcripts: 5 prime UTR variant (5), intron variant (2).
Genome position (GRCh38, 1-based): chr5:138,887,513, C>A. VCF-style: chr5-138887513-C-A. GRCh37 (hg19) VCF-style: chr5-138223202-C-A.
Other names: c.57C>A, p.His19Gln (NM_001323996.1, NM_001323997.1, NM_001323998.1 and 18 more transcripts); c.-341C>A (NM_001324006.1, NM_001324007.1, NM_001324008.1 and 1 more transcripts); c.-216C>A (NM_001324013.1); c.-58+11916C>A (NM_001324012.1); c.1167C>A, p.His389Gln (NM_001290307.3, NM_001323982.2, NM_001323983.1 and 3 more transcripts); c.-61+11916C>A (NM_001324010.1); c.858C>A, p.His286Gln (NM_001290309.3); c.798C>A, p.His266Gln (NM_001290310.3); short protein forms H19Q, H286Q, H389Q, H266Q.
Identifiers: ClinVar variation 4844451 (VCV004844451.1).